The following is an entry in ClinVar:

NM_003073.5(SMARCB1):c.843G>T (p.Trp281Cys)

Gene: SMARCB1 (SWI/SNF related BAF chromatin remodeling complex subunit B1; plus strand). Cytogenetic location: 22q11.23.
Variant type: single nucleotide variant.
Coding change: c.843G>T on transcript NM_003073.5 (MANE Select); coding-DNA position 843, G replaced by T.
Protein change: p.Trp281Cys; replaces tryptophan 281 with cysteine.
Molecular consequence: missense variant.
Genome position (GRCh38, 1-based): chr22:23,825,272, G>T. VCF-style: chr22-23825272-G-T. GRCh37 (hg19) VCF-style: chr22-24167459-G-T.
Other names: c.816G>T, p.Trp272Cys (NM_001007468.3); c.870G>T, p.Trp290Cys (NM_001317946.2); c.897G>T, p.Trp299Cys (NM_001362877.2); short protein forms W272C, W281C, W290C, W299C.
Identifiers: ClinVar variation 4170237 (VCV004170237.1).
Genomic context (GRCh38, chr22:23,825,272, plus strand): 5'-GTTGTTGCCTCAGCTGAACATCCATGTGGGAAACATTTCCCTGGTGGACCAGTTTGAGTG[G>T]GACATGTCAGAGAAGGAGAACTCACCAGAGAAGTTTGCCCTGAAGCTGTGCTCGGAGCTG-3'
Protein context (NP_003064.2, residues 271-291): GNISLVDQFE[Trp281Cys]DMSEKENSPE

ClinVar aggregate classification (germline): Uncertain significance (1 of 4 stars; one submission).

Conditions:
Hereditary cancer-predisposing syndrome. Also called: Neoplastic Syndromes, Hereditary; Tumor predisposition; Hereditary Cancer Syndrome; Hereditary neoplastic syndrome. Identifiers: Orphanet 140162, MedGen C0027672, MeSH D009386, MONDO:0015356.

Submission:

Ambry Genetics
Classification: Uncertain significance for Hereditary cancer-predisposing syndrome. Last evaluated: 2025-07-12. Review status: criteria provided, single submitter. Criteria: Ambry Variant Classification Scheme 2023. Collection method: clinical testing. Allele origin: germline.
Comment: The p.W281C variant (also known as c.843G>T), located in coding exon 7 of the SMARCB1 gene, results from a G to T substitution at nucleotide position 843. The tryptophan at codon 281 is replaced by cysteine, an amino acid with highly dissimilar properties. This amino acid position is conserved. In addition, this alteration is predicted to be deleterious by in silico analysis. Based on the available evidence, the clinical significance of this variant remains unclear.